The following is an entry in ClinVar:

ClinVar aggregate classification (germline): Likely pathogenic (1 of 4 stars; one submission).

Conditions:
Phenylketonuria (PKU). Also called: OLIGOPHRENIA PHENYLPYRUVICA; Phenylketonurias; Phenylketonuria (PKU); FOLLING DISEASE. Identifiers: Orphanet 716, MedGen C0031485, MONDO:0009861, OMIM 261600. Disease mechanism: loss of function.

Submission:

Labcorp Genetics (formerly Invitae), Labcorp
Classification: Likely pathogenic for Phenylketonuria. Last evaluated: 2021-10-12. Review status: criteria provided, single submitter. Criteria: Invitae Variant Classification Sherloc (09022015). Collection method: clinical testing. Allele origin: germline.
Comment: This sequence change replaces arginine with serine at codon 241 of the PAH protein (p.Arg241Ser). The arginine residue is highly conserved and there is a moderate physicochemical difference between arginine and serine. This variant is not present in population databases (ExAC no frequency). This variant has not been reported in the literature in individuals affected with PAH-related conditions. Advanced modeling of protein sequence and biophysical properties (such as structural, functional, and spatial information, amino acid conservation, physicochemical variation, residue mobility, and thermodynamic stability) performed at Invitae indicates that this missense variant is expected to disrupt PAH protein function. This variant disrupts the p.Arg241 amino acid residue in PAH. Other variant(s) that disrupt this residue have been determined to be pathogenic (PMID: 10479481, 22330942, 25894915, 26600521). This suggests that this residue is clinically significant, and that variants that disrupt this residue are likely to be disease-causing. In summary, the currently available evidence indicates that the variant is pathogenic, but additional data are needed to prove that conclusively. Therefore, this variant has been classified as Likely Pathogenic.

Literature cited by the submitters: PubMed 10479481; PubMed 22330942; PubMed 25894915; PubMed 26600521.

NM_000277.3(PAH):c.721C>A (p.Arg241Ser)

Gene: PAH (phenylalanine hydroxylase; minus strand). Cytogenetic location: 12q23.2.
Variant type: single nucleotide variant.
Coding change: c.721C>A on transcript NM_000277.3 (MANE Select); coding-DNA position 721, C replaced by A.
Protein change: p.Arg241Ser; replaces arginine 241 with serine.
Molecular consequence: missense variant.
Genome position (GRCh38, 1-based): chr12:102,852,936, G>T on the plus strand (C>A on the coding strand, the complement: PAH is on the minus strand). VCF-style: chr12-102852936-G-T. GRCh37 (hg19) VCF-style: chr12-103246714-G-T.
Other names: c.721C>A, p.Arg241Ser (NM_001354304.2); short protein forms R241S.
Identifiers: ClinVar variation 1484418 (VCV001484418.6), dbSNP rs76687508, ClinGen allele CA386295836.